The following is an entry in ClinVar:

NM_014476.6(PDLIM3):c.12G>C (p.Thr4=)

Gene: PDLIM3 (PDZ and LIM domain 3; minus strand). Cytogenetic location: 4q35.1.
Variant type: single nucleotide variant.
Coding change: c.12G>C on transcript NM_014476.6 (MANE Select); coding-DNA position 12, G replaced by C.
Protein change: p.Thr4=; no amino-acid change (threonine 4 retained).
Molecular consequence: synonymous variant. On other transcripts: non-coding transcript variant (1).
Genome position (GRCh38, 1-based): chr4:185,535,423, C>G on the plus strand (G>C on the coding strand, the complement: PDLIM3 is on the minus strand). VCF-style: chr4-185535423-C-G. GRCh37 (hg19) VCF-style: chr4-186456577-C-G.
Other names: c.12G>C, p.Thr4= (NM_001114107.5, NM_001257962.2, NM_001257963.2).
Identifiers: ClinVar variation 388038 (VCV000388038.1), dbSNP rs755073576, ClinGen allele CA16605101.

ClinVar aggregate classification (germline): Likely benign (1 of 4 stars; one submission).

Submission:

GeneDx
Classification: Likely benign. Last evaluated: 2016-07-26. Review status: criteria provided, single submitter. Criteria: GeneDx Variant Classification (06012015). Collection method: clinical testing. Allele origin: germline. Affected: yes.
Comment: This variant is considered likely benign or benign based on one or more of the following criteria: it is a conservative change, it occurs at a poorly conserved position in the protein, it is predicted to be benign by multiple in silico algorithms, and/or has population frequency not consistent with disease.